The following is an entry in ClinVar:

ClinVar aggregate classification (germline): Uncertain significance. Review status: criteria provided, multiple submitters, no conflicts (2 of 4 stars). 2 submissions from 2 submitters: Uncertain significance (2). Last evaluated 2023-11-22.

Conditions:
Cardiovascular phenotype. Identifiers: MedGen CN230736.
Long QT syndrome (LQTS). Identifiers: MedGen C0023976, MeSH D008133, MONDO:0002442. Disease mechanism: loss of function. Inheritance: Various modes of inheritance.

Submissions (2):

Ambry Genetics
Classification: Uncertain significance for Cardiovascular phenotype. Last evaluated: 2023-11-22. Review status: criteria provided, single submitter. Criteria: Ambry Variant Classification Scheme 2023. Collection method: clinical testing. Allele origin: germline.
Comment: The c.2664-3C>T intronic alteration consists of a C to T substitution 3 nucleotides before exon 20 of the CACNA1C gene. Based on insufficient or conflicting evidence, the clinical significance of this alteration remains unclear.

Labcorp Genetics (formerly Invitae), Labcorp
Classification: Uncertain significance for Long QT syndrome. Last evaluated: 2022-04-18. Review status: criteria provided, single submitter. Criteria: Invitae Variant Classification Sherloc (09022015). Collection method: clinical testing. Allele origin: germline.
Comment: In summary, the available evidence is currently insufficient to determine the role of this variant in disease. Therefore, it has been classified as a Variant of Uncertain Significance. Variants that disrupt the consensus splice site are a relatively common cause of aberrant splicing (PMID: 17576681, 9536098). Algorithms developed to predict the effect of sequence changes on RNA splicing suggest that this variant is not likely to affect RNA splicing. This variant has not been reported in the literature in individuals affected with CACNA1C-related conditions. This variant is not present in population databases (gnomAD no frequency). This sequence change falls in intron 19 of the CACNA1C gene. It does not directly change the encoded amino acid sequence of the CACNA1C protein. It affects a nucleotide within the consensus splice site.

Literature cited by the submitters: PubMed 17576681 (cited by Labcorp Genetics (formerly Invitae), Labcorp); PubMed 9536098 (cited by Labcorp Genetics (formerly Invitae), Labcorp).

NM_000719.7(CACNA1C):c.2664-3C>T

Gene: CACNA1C (calcium voltage-gated channel subunit alpha1 C; plus strand). Cytogenetic location: 12p13.33.
Variant type: single nucleotide variant.
Coding change: c.2664-3C>T on transcript NM_000719.7 (MANE Select); 3 bases into the intron before coding-DNA position 2664, C replaced by T.
Molecular consequence: intron variant.
Genome position (GRCh38, 1-based): chr12:2,595,871, C>T. VCF-style: chr12-2595871-C-T. GRCh37 (hg19) VCF-style: chr12-2705037-C-T.
Other names: c.2664-3C>T (NM_001167624.3, NM_001167623.2, NM_001167625.2 and 19 more transcripts); c.2655-3C>T (NM_001129844.2).
Identifiers: ClinVar variation 1936809 (VCV001936809.6), dbSNP rs2516814821, ClinGen allele CA2580085119.